The following is an entry in ClinVar:

NM_181332.3(NLGN4X):c.48G>A (p.Pro16=)

Gene: NLGN4X (neuroligin 4 X-linked; minus strand). Cytogenetic location: Xp22.31.
Variant type: single nucleotide variant.
Coding change: c.48G>A on transcript NM_181332.3 (MANE Select); coding-DNA position 48, G replaced by A.
Protein change: p.Pro16=; no amino-acid change (proline 16 retained).
Molecular consequence: synonymous variant.
Genome position (GRCh38, 1-based): chrX:6,151,419, C>T on the plus strand (G>A on the coding strand, the complement: NLGN4X is on the minus strand). VCF-style: chrX-6151419-C-T. GRCh37 (hg19) VCF-style: chrX-6069460-C-T.
Other names: c.48G>A, p.Pro16= (NM_001282145.2, NM_001282146.2, NM_020742.4); c.48G>A (NM_020742.3).
Identifiers: ClinVar variation 95984 (VCV000095984.48), dbSNP rs398124365, ClinGen allele CA223604.
Genomic context (GRCh38, chrX:6,151,419, plus strand): 5'-GAACTTGATGGCAAGAGCAGTTAACCACAGGAGGACATTGGAGTTTAACATGACGCAGAC[C>T]GGGGTGAACAACAAAGGAAGCCATAGCAGTCCCTGGGGCCGTGACATGGTTCAAATCTGC-3'
Protein context (NP_851849.1, residues 6-26): GLLWLPLLFT[Pro16=]VCVMLNSNVL

ClinVar aggregate classification (germline): Conflicting classifications of pathogenicity. Review status: criteria provided, conflicting classifications (1 of 4 stars). 3 submissions from 3 submitters: Uncertain significance (1); Likely benign (1). 1 of the submissions does not count toward it. Last evaluated 2024-06-01.

Conditions:
NLGN4X-related disorder. Also called: NLGN4X-related condition.

Allele frequency attached by ClinVar (database versions not stated): gnomAD 0.00006; TOPMed 0.00007; ExAC 0.00014; 1000 Genomes Project 30x 0.00021; gnomAD exomes 0.00022; 1000 Genomes Project 0.00026.
gnomAD v4.1: 122 of 1,209,532 alleles (0.01%); highest among the groups gnomAD compares: South Asian, 0.083%; no homozygotes.

Submissions (3):

CeGaT Center for Human Genetics Tuebingen
Classification: Likely benign. Last evaluated: 2024-06-01. Review status: criteria provided, single submitter. Criteria: CeGaT Center For Human Genetics Tuebingen Variant Classification Criteria Version 2. Collection method: clinical testing. Allele origin: germline. Affected: yes. Observed: 2 variant alleles.
Comment: NLGN4X: BP4, BP7, BS2

Eurofins Ntd Llc (ga)
Classification: Uncertain significance. Last evaluated: 2012-10-11. Review status: criteria provided, single submitter. Criteria: EGL Classification Definitions 2015. Collection method: clinical testing. Allele origin: germline. Observed: 1 variant allele, 1 heterozygote.

PreventionGenetics, part of Exact Sciences
Classification: Likely benign for NLGN4X-related condition. Last evaluated: 2022-02-25. Review status: no assertion criteria provided. Collection method: clinical testing. Allele origin: germline. Not counted in ClinVar's aggregate classification.
Comment: This variant is classified as likely benign based on ACMG/AMP sequence variant interpretation guidelines (Richards et al. 2015 PMID: 25741868, with internal and published modifications).